The following is an entry in ClinVar:

NM_001033855.3(DCLRE1C):c.361A>T (p.Met121Leu)

Gene: DCLRE1C (DNA cross-link repair 1C; minus strand). Cytogenetic location: 10p13.
Variant type: single nucleotide variant.
Coding change: c.361A>T on transcript NM_001033855.3 (MANE Select); coding-DNA position 361, A replaced by T.
Protein change: p.Met121Leu; replaces methionine 121 with leucine.
Molecular consequence: missense variant. On other transcripts: initiator codon variant (5), non-coding transcript variant (3), intron variant (4).
Genome position (GRCh38, 1-based): chr10:14,936,539, T>A on the plus strand (A>T on the coding strand, the complement: DCLRE1C is on the minus strand). VCF-style: chr10-14936539-T-A. GRCh37 (hg19) VCF-style: chr10-14978538-T-A.
Other names: c.1A>T, p.Met1Leu (NM_001033857.3, NM_001033858.3, NM_001289077.2 and 2 more transcripts); c.361A>T, p.Met121Leu (NM_001350965.2); c.18-975A>T (NM_001350966.2, NM_001289078.2, NM_001289076.2 and 1 more transcripts); short protein forms M121L, M1L.
Identifiers: ClinVar variation 951881 (VCV000951881.10), dbSNP rs1839954868, ClinGen allele CA376061106.

ClinVar aggregate classification (germline): Uncertain significance (1 of 4 stars; one submission).

Conditions:
Severe combined immunodeficiency due to DCLRE1C deficiency (RS-SCID). Also called: SCID, AUTOSOMAL RECESSIVE, T CELL-NEGATIVE, B CELL-NEGATIVE, NK CELL-POSITIVE, WITH SENSITIVITY TO IONIZING RADIATION. Identifiers: Orphanet 275, MedGen C1865371, MONDO:0011225, OMIM 602450.

Submission:

Labcorp Genetics (formerly Invitae), Labcorp
Classification: Uncertain significance for Athabaskan severe combined immunodeficiency. Last evaluated: 2021-05-10. Review status: criteria provided, single submitter. Criteria: Invitae Variant Classification Sherloc (09022015). Collection method: clinical testing. Allele origin: germline.
Comment: This sequence change replaces methionine with leucine at codon 121 of the DCLRE1C protein (p.Met121Leu). The methionine residue is highly conserved and there is a small physicochemical difference between methionine and leucine. In summary, the available evidence is currently insufficient to determine the role of this variant in disease. Therefore, it has been classified as a Variant of Uncertain Significance. Algorithms developed to predict the effect of sequence changes on RNA splicing suggest that this variant may disrupt the consensus splice site, but this prediction has not been confirmed by published transcriptional studies. Algorithms developed to predict the effect of missense changes on protein structure and function are either unavailable or do not agree on the potential impact of this missense change (SIFT: "Tolerated"; PolyPhen-2: "Possibly Damaging"; Align-GVGD: "Class C0"). This variant has been observed in individual(s) with severe combined immunodeficiency (Invitae). In at least one individual the data is consistent with the variant being in trans (on the opposite chromosome) from a pathogenic variant. ClinVar contains an entry for this variant (Variation ID: 951881). This variant is not present in population databases (ExAC no frequency).